The following is an entry in ClinVar:

ClinVar aggregate classification (germline): Likely benign (1 of 4 stars; one submission).

Allele frequency attached by ClinVar (database versions not stated): gnomAD 0.01991 and 0.02128; TOPMed 0.02337; 1000 Genomes Project 30x 0.04029; 1000 Genomes Project 0.04253.
gnomAD v4.1: 3,318 of 152,152 alleles (2.2%); highest among the groups gnomAD compares: East Asian, 8.3%; 68 homozygotes.

Submission:

GeneDx
Classification: Likely benign. Last evaluated: 2018-06-14. Review status: criteria provided, single submitter. Criteria: GeneDx Variant Classification (06012015). Collection method: clinical testing. Allele origin: germline. Affected: yes.
Comment: This variant is considered likely benign or benign based on one or more of the following criteria: it is a conservative change, it occurs at a poorly conserved position in the protein, it is predicted to be benign by multiple in silico algorithms, and/or has population frequency not consistent with disease.

NM_000138.5(FBN1):c.5423-338A>T

Gene: FBN1 (fibrillin 1; minus strand). Cytogenetic location: 15q21.1.
Variant type: single nucleotide variant.
Coding change: c.5423-338A>T on transcript NM_000138.5 (MANE Select); 338 bases into the intron before coding-DNA position 5423, A replaced by T.
Molecular consequence: intron variant.
Genome position (GRCh38, 1-based): chr15:48,453,022, T>A on the plus strand (A>T on the coding strand, the complement: FBN1 is on the minus strand). VCF-style: chr15-48453022-T-A. GRCh37 (hg19) VCF-style: chr15-48745219-T-A.
Identifiers: ClinVar variation 668563 (VCV000668563.1), dbSNP rs35063088, ClinGen allele CA14170165.